The following is an entry in ClinVar:

NM_000059.4(BRCA2):c.7385C>A (p.Ser2462Tyr)

Gene: BRCA2 (BRCA2 DNA repair associated; plus strand). Cytogenetic location: 13q13.1.
Variant type: single nucleotide variant.
Coding change: c.7385C>A on transcript NM_000059.4 (MANE Select); coding-DNA position 7385, C replaced by A.
Protein change: p.Ser2462Tyr; replaces serine 2462 with tyrosine.
Molecular consequence: missense variant. On other transcripts: non-coding transcript variant (1).
Genome position (GRCh38, 1-based): chr13:32,355,238, C>A. VCF-style: chr13-32355238-C-A. GRCh37 (hg19) VCF-style: chr13-32929375-C-A.
Other names: c.7289C>A, p.Ser2430Tyr (NM_001406719.1); c.7385C>A, p.Ser2462Tyr (NM_001406720.1, NM_001432077.1); c.2453C>A, p.Ser818Tyr (NM_001406721.1); c.968C>A, p.Ser323Tyr (NM_001406722.1); short protein forms S818Y, S2430Y, S323Y, S2462Y.
Identifiers: ClinVar variation 4842981 (VCV004842981.1).

ClinVar aggregate classification (germline): Uncertain significance (1 of 4 stars; one submission).

Conditions:
Hereditary cancer-predisposing syndrome. Also called: Neoplastic Syndromes, Hereditary; Tumor predisposition; Hereditary Cancer Syndrome; Hereditary neoplastic syndrome. Identifiers: Orphanet 140162, MedGen C0027672, MeSH D009386, MONDO:0015356.

Submission:

Ambry Genetics
Classification: Uncertain significance for Hereditary cancer-predisposing syndrome. Last evaluated: 2026-01-10. Review status: criteria provided, single submitter. Criteria: Ambry Variant Classification Scheme 2023. Collection method: clinical testing. Allele origin: germline.
Comment: The p.S2462Y variant (also known as c.7385C>A), located in coding exon 13 of the BRCA2 gene, results from a C to A substitution at nucleotide position 7385. The serine at codon 2462 is replaced by tyrosine, an amino acid with dissimilar properties. This amino acid position is conserved. In addition, this alteration is predicted to be tolerated by in silico analysis. Based on the available evidence, the clinical significance of this variant remains unclear.